The following is an entry in ClinVar:

NM_177438.3(DICER1):c.*88T>A

Gene: DICER1 (dicer 1, ribonuclease III; minus strand). Cytogenetic location: 14q32.13.
Variant type: single nucleotide variant.
Coding change: c.*88T>A on transcript NM_177438.3 (MANE Select); 88 bases downstream of the stop codon, T replaced by A.
Molecular consequence: 3 prime UTR variant.
Genome position (GRCh38, 1-based): chr14:95,090,410, A>T on the plus strand (T>A on the coding strand, the complement: DICER1 is on the minus strand). VCF-style: chr14-95090410-A-T. GRCh37 (hg19) VCF-style: chr14-95556747-A-T.
Other names: c.*204T>A (NM_001195573.1); c.*88T>A (NM_001271282.3, NM_001291628.2, NM_030621.4).
Identifiers: ClinVar variation 315098 (VCV000315098.30), dbSNP rs13078, ClinGen allele CA10635628.

ClinVar aggregate classification (germline): Benign. Review status: criteria provided, multiple submitters, no conflicts (2 of 4 stars). 5 submissions from 5 submitters: Benign (5). Last evaluated 2026-02-02.

Conditions:
DICER1-related tumor predisposition. Also called: DICER1-related pleuropulmonary blastoma cancer predisposition syndrome; DICER1 syndrome. Identifiers: Orphanet 284343, MedGen C3839822, MONDO:0100216.

Allele frequency attached by ClinVar (database versions not stated): gnomAD exomes 0.82664; gnomAD 0.85229 and 0.85633; TOPMed 0.86175; 1000 Genomes Project 30x 0.90771; 1000 Genomes Project 0.90895.
gnomAD v4.1: 1,219,443 of 1,469,042 alleles (83%); highest among the groups gnomAD compares: East Asian, 96%; 507,926 homozygotes.

Submissions (5):

Labcorp Genetics (formerly Invitae), Labcorp
Classification: Benign for DICER1-related tumor predisposition. Last evaluated: 2026-02-02. Review status: criteria provided, single submitter. Criteria: Invitae Variant Classification Sherloc (09022015). Collection method: clinical testing. Allele origin: germline.

ARUP Laboratories, Molecular Genetics and Genomics, ARUP Laboratories
Classification: Benign. Last evaluated: 2023-11-29. Review status: criteria provided, single submitter. Criteria: ARUP Molecular Germline Variant Investigation Process 2024. Collection method: clinical testing. Allele origin: germline.

GeneDx
Classification: Benign. Last evaluated: 2018-06-24. Review status: criteria provided, single submitter. Criteria: GeneDx Variant Classification Process June 2021. Collection method: clinical testing. Allele origin: germline. Affected: yes.
Comment: This variant is associated with the following publications: (PMID: 25526195)

Illumina Laboratory Services, Illumina
Classification: Benign for Pleuropulmonary blastoma. Last evaluated: 2018-01-13. Review status: criteria provided, single submitter. Criteria: ICSL Variant Classification Criteria 13 December 2019. Collection method: clinical testing. Allele origin: germline.
Comment: This variant was observed in the ICSL laboratory as part of a predisposition screen in an ostensibly healthy population. It had not been previously curated by ICSL or reported in the Human Gene Mutation Database (HGMD: prior to June 1st, 2018), and was therefore a candidate for classification through an automated scoring system. Utilizing variant allele frequency, disease prevalence and penetrance estimates, and inheritance mode, an automated score was calculated to assess if this variant is too frequent to cause the disease. Based on the score and internal cut-off values, a variant classified as benign is not then subjected to further curation. The score for this variant resulted in a classification of benign for this disease.

Breakthrough Genomics
Classification: Benign. Review status: criteria provided, single submitter. Criteria: ACMG Guidelines, 2015. Collection method: not provided. Allele origin: germline. Inheritance: Autosomal dominant inheritance. Affected: yes.